The following is an entry in ClinVar:

NM_001077365.2(POMT1):c.640G>T (p.Val214Leu)

Gene: POMT1 (protein O-mannosyltransferase 1; plus strand). Cytogenetic location: 9q34.13.
Variant type: single nucleotide variant.
Coding change: c.640G>T on transcript NM_001077365.2 (MANE Select); coding-DNA position 640, G replaced by T.
Protein change: p.Val214Leu; replaces valine 214 with leucine.
Molecular consequence: missense variant. On other transcripts: 5 prime UTR variant (1), non-coding transcript variant (10).
Genome position (GRCh38, 1-based): chr9:131,509,937, G>T. VCF-style: chr9-131509937-G-T. GRCh37 (hg19) VCF-style: chr9-134385324-G-T.
Other names: p.Val214Leu; c.478G>T, p.Val160Leu (NM_001077366.2, NM_001353194.2, NM_001353197.2 and 3 more transcripts); c.640G>T, p.Val214Leu (NM_001136113.2, NM_001353193.2, NM_001374690.1 and 1 more transcripts); c.289G>T, p.Val97Leu (NM_001136114.2, NM_001353195.2, NM_001353199.2 and 2 more transcripts); c.550G>T, p.Val184Leu (NM_001353196.2); c.184G>T, p.Val62Leu (NM_001353200.2, NM_001374695.1); c.-497G>T (NM_001411024.1); short protein forms V160L, V184L, V214L, V62L, V97L.
Identifiers: ClinVar variation 2683068 (VCV002683068.4), dbSNP rs778740383, ClinGen allele CA200784361.
Genomic context (GRCh38, chr9:131,509,937, plus strand): 5'-ACTCCATTTCTGTCATGTCTTTGCAGCATCAAGTACATGGGTGTGTTCACGTACGTGCTC[G>T]TGCTGGGTGTTGCAGCTGTCCATGCCTGGCACCTGCTTGGAGACCAGACTTTGTCCAATG-3'
Protein context (NP_001070833.1, residues 204-224): KYMGVFTYVL[Val214Leu]LGVAAVHAWH

ClinVar aggregate classification (germline): Uncertain significance. Review status: criteria provided, multiple submitters, no conflicts (2 of 4 stars). 2 submissions from 2 submitters: Uncertain significance (2). Last evaluated 2023-01-02.

Conditions:
Muscular dystrophy-dystroglycanopathy (congenital with impaired intellectual development), type B, 1. Also called: MUSCULAR DYSTROPHY, CONGENITAL, POMT1-RELATED; Muscular dystrophy-dystroglycanopathy (congenital with intellectual disability), type B1. Identifiers: MedGen C5436962, MONDO:0013159, OMIM 613155.
Walker-Warburg congenital muscular dystrophy. Also called: Muscular dystrophy-dystroglycanopathy, type A; Walker-Warburg syndrome. Identifiers: Orphanet 899, MedGen C0265221, MONDO:0000171.
Autosomal recessive limb-girdle muscular dystrophy type 2K. Also called: MUSCULAR DYSTROPHY-DYSTROGLYCANOPATHY (LIMB-GIRDLE), TYPE C, 1; MUSCULAR DYSTROPHY, LIMB-GIRDLE, TYPE 2K. Identifiers: Orphanet 86812, MedGen C1836373, MONDO:0012248, OMIM 609308.

Submissions (2):

Labcorp Genetics (formerly Invitae), Labcorp
Classification: Uncertain significance for Muscular dystrophy-dystroglycanopathy (congenital with impaired intellectual development), type B, 1; Walker-Warburg congenital muscular dystrophy; Autosomal recessive limb-girdle muscular dystrophy type 2K. Last evaluated: 2023-01-02. Review status: criteria provided, single submitter. Criteria: Invitae Variant Classification Sherloc (09022015). Collection method: clinical testing. Allele origin: germline.
Comment: In summary, the available evidence is currently insufficient to determine the role of this variant in disease. Therefore, it has been classified as a Variant of Uncertain Significance. Advanced modeling of protein sequence and biophysical properties (such as structural, functional, and spatial information, amino acid conservation, physicochemical variation, residue mobility, and thermodynamic stability) performed at Invitae indicates that this missense variant is not expected to disrupt POMT1 protein function. This variant has not been reported in the literature in individuals affected with POMT1-related conditions. This variant is not present in population databases (gnomAD no frequency). This sequence change replaces valine, which is neutral and non-polar, with leucine, which is neutral and non-polar, at codon 214 of the POMT1 protein (p.Val214Leu).

Mayo Clinic Laboratories, Mayo Clinic
Classification: Uncertain significance. Last evaluated: 2022-09-02. Review status: criteria provided, single submitter. Criteria: ACMG Guidelines, 2015. Collection method: clinical testing. Allele origin: germline. Observed: 1 variant allele.
Comment: PM2